The following is an entry in ClinVar:

ClinVar aggregate classification (germline): Uncertain significance (1 of 4 stars; one submission).

Conditions:
Inborn genetic diseases. Identifiers: MedGen C0950123, MeSH D030342.

Submission:

Ambry Genetics
Classification: Uncertain significance for Inborn genetic diseases. Last evaluated: 2021-03-09. Review status: criteria provided, single submitter. Criteria: Ambry Variant Classification Scheme 2023. Collection method: clinical testing. Allele origin: germline.
Comment: The c.110C>G (p.S37C) alteration is located in exon 3 (coding exon 2) of the CDON gene. This alteration results from a C to G substitution at nucleotide position 110, causing the serine (S) at amino acid position 37 to be replaced by a cysteine (C). The p.S37C alteration is predicted to be tolerated by in silico analysis. Based on insufficient or conflicting evidence, the clinical significance of this alteration remains unclear.

NM_001378964.1(CDON):c.110C>G (p.Ser37Cys)

Gene: CDON (cell adhesion associated, oncogene regulated; minus strand). Cytogenetic location: 11q24.2.
Variant type: single nucleotide variant.
Coding change: c.110C>G on transcript NM_001378964.1 (MANE Select); coding-DNA position 110, C replaced by G.
Protein change: p.Ser37Cys; replaces serine 37 with cysteine.
Molecular consequence: missense variant.
Genome position (GRCh38, 1-based): chr11:126,021,487, G>C on the plus strand (C>G on the coding strand, the complement: CDON is on the minus strand). VCF-style: chr11-126021487-G-C. GRCh37 (hg19) VCF-style: chr11-125891382-G-C.
Other names: c.110C>G, p.Ser37Cys (NM_001243597.3, NM_016952.6); short protein forms S37C.
Identifiers: ClinVar variation 2229609 (VCV002229609.2), dbSNP rs2497264444, ClinGen allele CA383212317.
Genomic context (GRCh38, chr11:126,021,487, plus strand): 5'-GTGGTCACAGGTTGAGCAGAACAATGCAGTACTACAGGTCCACCAAGTTTCTGGACAGCA[G>C]AGAGCGGCTCAGAAGTAAAATAAGGTGCCAAGTCTACAAGGGAATATTCCCCATATGCAA-3'
Protein context (NP_001365893.1, residues 27-47): LAPYFTSEPL[Ser37Cys]AVQKLGGPVV